The following is an entry in ClinVar:

NM_000179.3(MSH6):c.1420G>A (p.Val474Met)

Gene: MSH6 (mutS homolog 6; plus strand). Cytogenetic location: 2p16.3.
Variant type: single nucleotide variant.
Coding change: c.1420G>A on transcript NM_000179.3 (MANE Select); coding-DNA position 1420, G replaced by A.
Protein change: p.Val474Met; replaces valine 474 with methionine.
Molecular consequence: missense variant. On other transcripts: non-coding transcript variant (4), intron variant (1).
Genome position (GRCh38, 1-based): chr2:47,799,403, G>A. VCF-style: chr2-47799403-G-A. GRCh37 (hg19) VCF-style: chr2-48026542-G-A.
Other names: c.1030G>A, p.Val344Met (NM_001281492.2); c.514G>A, p.Val172Met (NM_001281493.2, NM_001281494.2, NM_001406811.1 and 6 more transcripts); c.1516G>A, p.Val506Met (NM_001406795.1, NM_001406802.1); c.1420G>A, p.Val474Met (NM_001406796.1, NM_001406798.1, NM_001406800.1 and 4 more transcripts); c.1123G>A, p.Val375Met (NM_001406797.1, NM_001406801.1, NM_001406805.1 and 10 more transcripts); c.895G>A, p.Val299Met (NM_001406799.1, NM_001406806.1, NM_001406807.1); c.1342G>A, p.Val448Met (NM_001406804.1); c.1426G>A, p.Val476Met (NM_001406813.1); and 2 more; short protein forms V299M, V344M, V172M, V375M, V476M, V418M, V448M, V474M.
Identifiers: ClinVar variation 3633929 (VCV003633929.3).

ClinVar aggregate classification (germline): Uncertain significance. Review status: criteria provided, multiple submitters, no conflicts (2 of 4 stars). 2 submissions from 2 submitters: Uncertain significance (2). Last evaluated 2025-06-16.

Conditions:
Hereditary nonpolyposis colorectal neoplasms. Identifiers: MedGen C0009405, MeSH D003123.
Hereditary cancer-predisposing syndrome. Also called: Neoplastic Syndromes, Hereditary; Tumor predisposition; Hereditary Cancer Syndrome; Hereditary neoplastic syndrome. Identifiers: Orphanet 140162, MedGen C0027672, MeSH D009386, MONDO:0015356.

gnomAD v4.1: 1 of 1,614,112 alleles (0.000062%); highest among the groups gnomAD compares: Non-Finnish European, 0.000085%; no homozygotes.

Submissions (2):

Ambry Genetics
Classification: Uncertain significance for Hereditary cancer-predisposing syndrome. Last evaluated: 2025-06-16. Review status: criteria provided, single submitter. Criteria: Ambry Variant Classification Scheme 2023. Collection method: clinical testing. Allele origin: germline.
Comment: The p.V474M variant (also known as c.1420G>A), located in coding exon 4 of the MSH6 gene, results from a G to A substitution at nucleotide position 1420. The valine at codon 474 is replaced by methionine, an amino acid with highly similar properties. This amino acid position is conserved. In addition, this alteration is predicted to be deleterious by in silico analysis. Based on the available evidence, the clinical significance of this variant remains unclear.

Labcorp Genetics (formerly Invitae), Labcorp
Classification: Uncertain significance for Hereditary nonpolyposis colorectal neoplasms. Last evaluated: 2024-05-21. Review status: criteria provided, single submitter. Criteria: Invitae Variant Classification Sherloc (09022015). Collection method: clinical testing. Allele origin: germline.
Comment: This sequence change replaces valine, which is neutral and non-polar, with methionine, which is neutral and non-polar, at codon 474 of the MSH6 protein (p.Val474Met). This variant is not present in population databases (gnomAD no frequency). This variant has not been reported in the literature in individuals affected with MSH6-related conditions. Advanced modeling of protein sequence and biophysical properties (such as structural, functional, and spatial information, amino acid conservation, physicochemical variation, residue mobility, and thermodynamic stability) has been performed at Invitae for this missense variant, however the output from this modeling did not meet the statistical confidence thresholds required to predict the impact of this variant on MSH6 protein function. In summary, the available evidence is currently insufficient to determine the role of this variant in disease. Therefore, it has been classified as a Variant of Uncertain Significance.